The following is an entry in ClinVar:

ClinVar aggregate classification (germline): Uncertain significance (1 of 4 stars; one submission).

gnomAD v4.1: 2 of 1,614,168 alleles (0.00012%); highest among the groups gnomAD compares: Non-Finnish European, 0.00017%; no homozygotes.

Submission:

Labcorp Genetics (formerly Invitae), Labcorp
Classification: Uncertain significance. Last evaluated: 2022-02-08. Review status: criteria provided, single submitter. Criteria: Invitae Variant Classification Sherloc (09022015). Collection method: clinical testing. Allele origin: germline.
Comment: This sequence change replaces glutamic acid, which is acidic and polar, with glutamine, which is neutral and polar, at codon 2130 of the CAD protein (p.Glu2130Gln). This variant is present in population databases (no rsID available, gnomAD 0.0009%). This variant has not been reported in the literature in individuals affected with CAD-related conditions. Algorithms developed to predict the effect of missense changes on protein structure and function (SIFT, PolyPhen-2, Align-GVGD) all suggest that this variant is likely to be tolerated. In summary, the available evidence is currently insufficient to determine the role of this variant in disease. Therefore, it has been classified as a Variant of Uncertain Significance.

NM_004341.5(CAD):c.6388G>C (p.Glu2130Gln)

Genes: CAD (carbamoyl-phosphate synthetase 2, aspartate transcarbamylase, and dihydroorotase; plus strand), LOC126806172 (CDK7 strongly-dependent group 2 enhancer GRCh37_chr2:27465505-27466704; plus strand). Cytogenetic location: 2p23.3.
Variant type: single nucleotide variant.
Coding change: c.6388G>C on transcript NM_004341.5 (MANE Select); coding-DNA position 6388, G replaced by C.
Protein change: p.Glu2130Gln; replaces glutamic acid 2130 with glutamine.
Molecular consequence: missense variant.
Genome position (GRCh38, 1-based): chr2:27,242,881, G>C. VCF-style: chr2-27242881-G-C. GRCh37 (hg19) VCF-style: chr2-27465749-G-C.
Other names: c.6199G>C, p.Glu2067Gln (NM_001306079.2); short protein forms E2130Q, E2067Q.
Identifiers: ClinVar variation 1933237 (VCV001933237.2), dbSNP rs755039119, ClinGen allele CA346224940.